The following is an entry in ClinVar:

ClinVar aggregate classification (germline): Likely benign. Review status: criteria provided, multiple submitters, no conflicts (2 of 4 stars). 2 submissions from 2 submitters: Likely benign (2). Last evaluated 2019-07-11.

Conditions:
Inborn genetic diseases. Identifiers: MedGen C0950123, MeSH D030342.

Allele frequency attached by ClinVar (database versions not stated): gnomAD 0.00001; gnomAD exomes 0.00001 and 0.00002.
gnomAD v4.1: 34 of 1,612,120 alleles (0.0021%); highest among the groups gnomAD compares: Non-Finnish European, 0.0027%; no homozygotes.

Submissions (2):

Ambry Genetics
Classification: Likely benign for Inborn genetic diseases. Last evaluated: 2019-07-11. Review status: criteria provided, single submitter. Criteria: Ambry Variant Classification Scheme 2023. Collection method: clinical testing. Allele origin: germline.

GeneDx
Classification: Likely benign. Last evaluated: 2016-11-03. Review status: criteria provided, single submitter. Criteria: GeneDx Variant Classification (06012015). Collection method: clinical testing. Allele origin: germline. Affected: yes.
Comment: This variant is considered likely benign or benign based on one or more of the following criteria: it is a conservative change, it occurs at a poorly conserved position in the protein, it is predicted to be benign by multiple in silico algorithms, and/or has population frequency not consistent with disease.

NM_022489.4(INF2):c.2991C>T (p.Asp997=)

Gene: INF2 (inverted formin 2; plus strand). Cytogenetic location: 14q32.33.
Variant type: single nucleotide variant.
Coding change: c.2991C>T on transcript NM_022489.4 (MANE Select); coding-DNA position 2991, C replaced by T.
Protein change: p.Asp997=; no amino-acid change (aspartic acid 997 retained).
Molecular consequence: synonymous variant.
Genome position (GRCh38, 1-based): chr14:104,713,557, C>T. VCF-style: chr14-104713557-C-T. GRCh37 (hg19) VCF-style: chr14-105179894-C-T.
Other names: c.2991C>T, p.Asp997= (NM_001031714.4).
Identifiers: ClinVar variation 390593 (VCV000390593.3), dbSNP rs1057523828, ClinGen allele CA16606795.